The following is an entry in ClinVar:

ClinVar aggregate classification (germline): Uncertain significance (1 of 4 stars; one submission).

Conditions:
Gorlin syndrome. Also called: Nevoid Basal Cell Carcinoma Syndrome; Basal cell nevus syndrome. Identifiers: Orphanet 377, MedGen C0004779, MONDO:0007187.

Allele frequency attached by ClinVar (database versions not stated): gnomAD exomes below 0.00001.
gnomAD v4.1: 6 of 1,612,560 alleles (0.00037%); highest among the groups gnomAD compares: South Asian, 0.0011%; no homozygotes.

Submission:

Labcorp Genetics (formerly Invitae), Labcorp
Classification: Uncertain significance for Gorlin syndrome. Last evaluated: 2023-04-17. Review status: criteria provided, single submitter. Criteria: Invitae Variant Classification Sherloc (09022015). Collection method: clinical testing. Allele origin: germline.
Comment: In summary, the available evidence is currently insufficient to determine the role of this variant in disease. Therefore, it has been classified as a Variant of Uncertain Significance. Advanced modeling of protein sequence and biophysical properties (such as structural, functional, and spatial information, amino acid conservation, physicochemical variation, residue mobility, and thermodynamic stability) performed at Invitae indicates that this missense variant is not expected to disrupt PTCH2 protein function. This variant has not been reported in the literature in individuals affected with PTCH2-related conditions. This variant is not present in population databases (gnomAD no frequency). This sequence change replaces proline, which is neutral and non-polar, with leucine, which is neutral and non-polar, at codon 227 of the PTCH2 protein (p.Pro227Leu).

NM_003738.5(PTCH2):c.680C>T (p.Pro227Leu)

Gene: PTCH2 (patched 2; minus strand). Cytogenetic location: 1p34.1.
Variant type: single nucleotide variant.
Coding change: c.680C>T on transcript NM_003738.5 (MANE Select); coding-DNA position 680, C replaced by T.
Protein change: p.Pro227Leu; replaces proline 227 with leucine.
Molecular consequence: missense variant.
Genome position (GRCh38, 1-based): chr1:44,830,981, G>A on the plus strand (C>T on the coding strand, the complement: PTCH2 is on the minus strand). VCF-style: chr1-44830981-G-A. GRCh37 (hg19) VCF-style: chr1-45296653-G-A.
Other names: c.680C>T, p.Pro227Leu (NM_001166292.2); short protein forms P227L.
Identifiers: ClinVar variation 2712268 (VCV002712268.3), dbSNP rs2148879239, ClinGen allele CA340106813.